The following is an entry in ClinVar:

ClinVar aggregate classification (germline): Uncertain significance (1 of 4 stars; one submission).

Conditions:
Alagille syndrome due to a JAG1 point mutation. Also called: JAG1-Related Alagille Syndrome; HEPATIC DUCTULAR HYPOPLASIA, SYNDROMATIC; Alagille Syndrome 1. Identifiers: Orphanet 261619, Orphanet 52, MedGen C1956125, MONDO:0016862, OMIM 118450.

Allele frequency attached by ClinVar (database versions not stated): gnomAD exomes 0.00001.
gnomAD v4.1: 6 of 1,614,170 alleles (0.00037%); highest among the groups gnomAD compares: East Asian, 0.013%; no homozygotes.

Submission:

Labcorp Genetics (formerly Invitae), Labcorp
Classification: Uncertain significance for Alagille syndrome due to a JAG1 point mutation. Last evaluated: 2022-07-26. Review status: criteria provided, single submitter. Criteria: Invitae Variant Classification Sherloc (09022015). Collection method: clinical testing. Allele origin: germline.
Comment: This variant has not been reported in the literature in individuals affected with JAG1-related conditions. This variant is not present in population databases (gnomAD no frequency). This sequence change replaces lysine, which is basic and polar, with arginine, which is basic and polar, at codon 1098 of the JAG1 protein (p.Lys1098Arg). ClinVar contains an entry for this variant (Variation ID: 998765). In summary, the available evidence is currently insufficient to determine the role of this variant in disease. Therefore, it has been classified as a Variant of Uncertain Significance. Advanced modeling of protein sequence and biophysical properties (such as structural, functional, and spatial information, amino acid conservation, physicochemical variation, residue mobility, and thermodynamic stability) performed at Invitae indicates that this missense variant is not expected to disrupt JAG1 protein function.

NM_000214.3(JAG1):c.3293A>G (p.Lys1098Arg)

Gene: JAG1 (jagged canonical Notch ligand 1; minus strand). Cytogenetic location: 20p12.2.
Variant type: single nucleotide variant.
Coding change: c.3293A>G on transcript NM_000214.3 (MANE Select); coding-DNA position 3293, A replaced by G.
Protein change: p.Lys1098Arg; replaces lysine 1098 with arginine.
Molecular consequence: missense variant.
Genome position (GRCh38, 1-based): chr20:10,639,862, T>C on the plus strand (A>G on the coding strand, the complement: JAG1 is on the minus strand). VCF-style: chr20-10639862-T-C. GRCh37 (hg19) VCF-style: chr20-10620510-T-C.
Other names: short protein forms K1098R.
Identifiers: ClinVar variation 998765 (VCV000998765.10), dbSNP rs2067257938, ClinGen allele CA408243478.